The following is an entry in ClinVar:

ClinVar aggregate classification (germline): Likely pathogenic (1 of 4 stars; one submission).

Conditions:
PIK3CA related overgrowth syndrome. Also called: PIK3CA related overgrowth spectrum; PIK3CA-Related Segmental Overgrowth. Identifiers: Orphanet 530313, MedGen C4728213, MONDO:1040002.

Submission:

Clinical Genomics Laboratory, Washington University in St. Louis
Classification: Likely pathogenic for PIK3CA related overgrowth syndrome. Last evaluated: 2026-01-02. Review status: criteria provided, single submitter. Criteria: Leon-Quintero et al. (Clin Genet. 2025). Collection method: clinical testing. Allele origin: somatic. Affected: yes.
Comment: A PIK3CA c.1263_1265dup (p.Leu422dup) variant was identified at an allelic fraction consistent with somatic origin. This variant, to our knowledge, has not been reported in the medical literature or in the ClinVar database. It is absent from the general population (gnomAD v4.1.0), indicating it is not a common variant. The PIK3CA c.1263_1265dup (p.Leu422dup) variant resides within a region, the C2 domain, of PIK3CA that is defined as a critical functional domain (Lai A et al., PMID: 35997716). This variant is predicted to cause a change in the length of the protein due to an in-frame duplication of one amino acid in a non-repeat region. Based on available information and an internally developed protocol informed by the ACMG/AMP guidelines for variant interpretation and gene-specific practices from the ClinGen Criteria Specification Registry (Leon-Quintero FZ et al., PMID: 39434542), the PIK3CA c.1263_1265dup (p.Leu422dup) variant is classified as likely pathogenic.

NM_006218.4(PIK3CA):c.1263_1265dup (p.Leu422_Ala423insLeu)

Gene: PIK3CA (phosphatidylinositol-4,5-bisphosphate 3-kinase catalytic subunit alpha; plus strand). Cytogenetic location: 3q26.32.
Variant type: Duplication.
Coding change: c.1263_1265dup on transcript NM_006218.4 (MANE Select); coding-DNA positions 1263 to 1265, 3 bases duplicated (ATT; older notation c.1263_1265dupATT).
Protein change: p.Leu422_Ala423insLeu.
Genome position (GRCh38, 1-based): chr3:179,210,197-179,210,199, ATT duplicated. VCF-style (leftmost placement, unchanged base first): chr3-179210196-C-CATT. GRCh37 (hg19) VCF-style: chr3-178927984-C-CATT.
Identifiers: ClinVar variation 4974556 (VCV004974556.1).